The following is an entry in ClinVar:

NM_000051.4(ATM):c.8502C>T (p.Phe2834=)

Genes: ATM (ATM serine/threonine kinase; plus strand), C11orf65 (chromosome 11 open reading frame 65; minus strand). Cytogenetic location: 11q22.3.
Variant type: single nucleotide variant.
Coding change: c.8502C>T on transcript NM_000051.4 (MANE Select); coding-DNA position 8502, C replaced by T.
Protein change: p.Phe2834=; no amino-acid change (phenylalanine 2834 retained).
Molecular consequence: synonymous variant. On other transcripts: intron variant (2).
Genome position (GRCh38, 1-based): chr11:108,345,826, C>T. VCF-style: chr11-108345826-C-T. GRCh37 (hg19) VCF-style: chr11-108216553-C-T.
Other names: c.8502C>T, p.Phe2834= (NM_001351834.2); c.641-36755G>A (NM_001330368.2); c.695-10534G>A (NM_001351110.2).
Identifiers: ClinVar variation 479075 (VCV000479075.55), dbSNP rs1555138167, ClinGen allele CA476673097.

ClinVar aggregate classification (germline): Benign/Likely benign. Review status: criteria provided, multiple submitters, no conflicts (2 of 4 stars). 3 submissions from 3 submitters: Benign (1); Likely benign (2). Last evaluated 2024-06-20.

Conditions:
Hereditary cancer-predisposing syndrome. Also called: Neoplastic Syndromes, Hereditary; Hereditary Cancer Syndrome; Tumor predisposition; Hereditary neoplastic syndrome. Identifiers: Orphanet 140162, MedGen C0027672, MeSH D009386, MONDO:0015356.
Familial cancer of breast. Also called: Hereditary breast cancer; BREAST CANCER, FAMILIAL; hereditary breast carcinoma. Identifiers: Orphanet 227535, MedGen C0346153, MONDO:0016419, OMIM 114480. Disease mechanism: loss of function.
Ataxia-telangiectasia syndrome (AT). Also called: LOUIS-BAR SYNDROME; Cerebello-oculocutaneous telangiectasia; Immunodeficiency with ataxia telangiectasia; Ataxia-telangiectasia, complementation group D; AT, COMPLEMENTATION GROUP C; Ataxia-telangiectasia, complementation group E. Identifiers: Orphanet 100, MedGen C0004135, MONDO:0008840, OMIM 208900.

Submissions (3):

Myriad Genetics, Inc.
Classification: Benign for Familial cancer of breast. Last evaluated: 2024-06-20. Review status: criteria provided, single submitter. Criteria: Myriad Autosomal Dominant, Autosomal Recessive and X-Linked Classification Criteria (2023). Collection method: clinical testing. Allele origin: unknown.
Comment: This variant is considered benign. This variant is a silent/synonymous amino acid change and it is not expected to impact splicing.

Labcorp Genetics (formerly Invitae), Labcorp
Classification: Likely benign for Ataxia-telangiectasia syndrome. Last evaluated: 2024-05-23. Review status: criteria provided, single submitter. Criteria: Invitae Variant Classification Sherloc (09022015). Collection method: clinical testing. Allele origin: germline.

Ambry Genetics
Classification: Likely benign for Hereditary cancer-predisposing syndrome. Last evaluated: 2017-01-31. Review status: criteria provided, single submitter. Criteria: Ambry Variant Classification Scheme 2023. Collection method: clinical testing. Allele origin: germline.